The following is an entry in ClinVar:

NM_000038.6(APC):c.2014C>T (p.His672Tyr)

Gene: APC (APC regulator of Wnt signaling pathway; plus strand). Cytogenetic location: 5q22.2.
Variant type: single nucleotide variant.
Coding change: c.2014C>T on transcript NM_000038.6 (MANE Select); coding-DNA position 2014, C replaced by T.
Protein change: p.His672Tyr; replaces histidine 672 with tyrosine.
Molecular consequence: missense variant.
Genome position (GRCh38, 1-based): chr5:112,837,608, C>T. VCF-style: chr5-112837608-C-T. GRCh37 (hg19) VCF-style: chr5-112173305-C-T.
Other names: c.2014C>T, p.His672Tyr (NM_001127510.3, NM_001354895.2, NM_001407450.1); c.1960C>T, p.His654Tyr (NM_001127511.3); c.2068C>T, p.His690Tyr (NM_001354896.2, NM_001407447.1, NM_001407448.1 and 1 more transcripts); c.2044C>T, p.His682Tyr (NM_001354897.2); c.1939C>T, p.His647Tyr (NM_001354898.2); c.1930C>T, p.His644Tyr (NM_001354899.2); c.1891C>T, p.His631Tyr (NM_001354900.2); c.1837C>T, p.His613Tyr (NM_001354901.2, NM_001407453.1); and 11 more; short protein forms H288Y, H389Y, H662Y, H665Y, H690Y, H700Y, H571Y, H581Y.
Identifiers: ClinVar variation 1784452 (VCV001784452.2), dbSNP rs2149858758, ClinGen allele CA16025721.

ClinVar aggregate classification (germline): Uncertain significance (1 of 4 stars; one submission).

Conditions:
Hereditary cancer-predisposing syndrome. Also called: Neoplastic Syndromes, Hereditary; Tumor predisposition; Hereditary Cancer Syndrome; Hereditary neoplastic syndrome. Identifiers: Orphanet 140162, MedGen C0027672, MeSH D009386, MONDO:0015356.

Submission:

Ambry Genetics
Classification: Uncertain significance for Hereditary cancer-predisposing syndrome. Last evaluated: 2022-04-07. Review status: criteria provided, single submitter. Criteria: Ambry Variant Classification Scheme 2023. Collection method: clinical testing. Allele origin: germline.
Comment: The p.H672Y variant (also known as c.2014C>T), located in coding exon 15 of the APC gene, results from a C to T substitution at nucleotide position 2014. The histidine at codon 672 is replaced by tyrosine, an amino acid with similar properties. This amino acid position is conserved. In addition, in silico predictors for this gene do not accurately predict pathogenicity. Since supporting evidence is limited at this time, the clinical significance of this alteration remains unclear.